The following is an entry in ClinVar:

ClinVar aggregate classification (germline): Conflicting classifications of pathogenicity. Review status: criteria provided, conflicting classifications (1 of 4 stars). 2 submissions from 2 submitters: Uncertain significance (1); Benign (1). Last evaluated 2026-07-27.

Conditions:
Rhabdoid tumor predisposition syndrome 2 (RTPS2). Identifiers: Orphanet 231108, Orphanet 69077, MedGen C2750074, MONDO:0013224, OMIM 613325.

gnomAD v4.1: 14 of 1,613,800 alleles (0.00087%); highest among the groups gnomAD compares: Non-Finnish European, 0.0012%; no homozygotes.

Submissions (2):

Myriad Genetics, Inc.
Classification: Benign for Rhabdoid tumor predisposition syndrome 2. Last evaluated: 2026-07-27. Review status: criteria provided, single submitter. Criteria: Myriad Autosomal Dominant, Autosomal Recessive and X-Linked Classification Criteria (2023). Collection method: clinical testing. Allele origin: unknown.
Comment: This variant is considered benign. This variant occurs in the non-coding 3' untranslated region of the gene, and is not expected to impact protein function.

GeneDx
Classification: Uncertain significance. Last evaluated: 2024-06-11. Review status: criteria provided, single submitter. Criteria: GeneDx Variant Classification Process June 2021. Collection method: clinical testing. Allele origin: germline. Affected: yes.
Comment: Has not been previously published as pathogenic or benign to our knowledge

NM_003072.5(SMARCA4):c.*9A>G

Gene: SMARCA4 (SWI/SNF related BAF chromatin remodeling complex subunit ATPase 4; plus strand). Cytogenetic location: 19p13.2.
Variant type: single nucleotide variant.
Coding change: c.*9A>G on transcript NM_003072.5 (MANE Select); 9 bases downstream of the stop codon, A replaced by G.
Molecular consequence: 3 prime UTR variant. On other transcripts: non-coding transcript variant (1).
Genome position (GRCh38, 1-based): chr19:11,061,825, A>G. VCF-style: chr19-11061825-A-G. GRCh37 (hg19) VCF-style: chr19-11172501-A-G.
Other names: c.*9A>G (NM_001128844.3, NM_001128845.2, NM_001128846.2 and 6 more transcripts).
Identifiers: ClinVar variation 3390834 (VCV003390834.2).